The following is an entry in ClinVar:

ClinVar aggregate classification (germline): Likely pathogenic (1 of 4 stars; one submission).

Conditions:
FOXC2-related disorder. Also called: FOXC2-related condition.

Submission:

PreventionGenetics, part of Exact Sciences
Classification: Likely pathogenic for FOXC2-related condition. Last evaluated: 2023-05-26. Review status: criteria provided, single submitter. Criteria: ACMG Guidelines, 2015. Collection method: clinical testing. Allele origin: germline.
Comment: The FOXC2 c.987C>G variant is predicted to result in premature protein termination (p.Tyr329*). To our knowledge, this variant has not been reported in the literature or in a large population database, indicating this variant is rare. Nonsense variants in FOXC2 are expected to be pathogenic. This variant is interpreted as likely pathogenic.

NM_005251.3(FOXC2):c.987C>G (p.Tyr329Ter)

Gene: FOXC2 (forkhead box C2; plus strand). Cytogenetic location: 16q24.1.
Variant type: single nucleotide variant.
Coding change: c.987C>G on transcript NM_005251.3 (MANE Select); coding-DNA position 987, C replaced by G.
Protein change: p.Tyr329Ter; replaces tyrosine 329 with a stop codon.
Molecular consequence: nonsense.
Genome position (GRCh38, 1-based): chr16:86,568,322, C>G. VCF-style: chr16-86568322-C-G. GRCh37 (hg19) VCF-style: chr16-86601928-C-G.
Other names: short protein forms Y329*.
Identifiers: ClinVar variation 2632234 (VCV002632234.1), dbSNP rs2507945813, ClinGen allele CA397009206.